The following is an entry in ClinVar:

ClinVar aggregate classification (germline): Pathogenic. Review status: reviewed by expert panel (3 of 4 stars). 2 submissions from 2 submitters: Pathogenic (1). 1 of the submissions does not count toward it. Last evaluated 2017-12-15.

Conditions:
Familial cancer of breast. Also called: hereditary breast carcinoma; BREAST CANCER, FAMILIAL; Hereditary breast cancer. Identifiers: Orphanet 227535, MedGen C0346153, MONDO:0016419, OMIM 114480. Disease mechanism: loss of function.
Breast-ovarian cancer, familial, susceptibility to, 1 (BROVCA1). Also called: BRCA1 Hereditary Breast and Ovarian Cancer; OVARIAN CANCER, SUSCEPTIBILITY TO. Identifiers: Orphanet 145, MedGen C2676676, MONDO:0011450, OMIM 604370. Disease mechanism: loss of function.

Submissions (2):

Evidence-based Network for the Interpretation of Germline Mutant Alleles (ENIGMA)
Classification: Pathogenic for Breast-ovarian cancer, familial, susceptibility to, 1. Last evaluated: 2017-12-15. Review status: reviewed by expert panel. Criteria: ENIGMA BRCA1/2 Classification Criteria (2017-06-29). Collection method: curation. Allele origin: germline. Study: ENIGMA.
Comment: Variant allele predicted to encode a truncated non-functional protein.

ClinVar Staff, National Center for Biotechnology Information (NCBI)
No classification provided. Condition: Familial cancer of breast. Review status: no classification provided. Collection method: literature only. Allele origin: germline. Affected: yes. Not counted in ClinVar's aggregate classification.

Literature cited by the submitters: PubMed 21913181 (cited by ClinVar Staff, National Center for Biotechnology Information (NCBI)).

NM_007294.4(BRCA1):c.5075_5078del (p.Asp1692fs)

Gene: BRCA1 (BRCA1 DNA repair associated; minus strand). Cytogenetic location: 17q21.31.
Variant type: Deletion.
Coding change: c.5075_5078del on transcript NM_007294.4 (MANE Select); coding-DNA positions 5075 to 5078, 4 bases deleted (ATGC; older notation c.5075_5078delATGC).
Protein change: p.Asp1692fs; shifts the reading frame from aspartic acid 1692.
Molecular consequence: frameshift variant. On other transcripts: non-coding transcript variant (1).
Genome position (GRCh38, 1-based): chr17:43,063,948-43,063,951, GCAT deleted on the plus strand (ATGC on the coding strand, the reverse complement: BRCA1 is on the minus strand). VCF-style (leftmost placement, unchanged base first): chr17-43063947-AGCAT-A. GRCh37 (hg19) VCF-style: chr17-41215964-AGCAT-A.
Other names: c.1760_1763delATGC, p.Asp587Valfs (NM_001408398.1, NM_001408399.1, NM_001408400.1 and 8 more transcripts); c.1757_1760delATGC, p.Asp586Valfs (NM_001408406.1, NM_001408407.1, NM_001408408.1); c.1754_1757delATGC, p.Asp585Valfs (NM_001408409.1); c.1691_1694delATGC, p.Asp564Valfs (NM_001408410.1); c.1688_1691delATGC, p.Asp563Valfs (NM_001408411.1); c.1685_1688delATGC, p.Asp562Valfs (NM_001408412.1, NM_001408413.1, NM_001408414.1 and 2 more transcripts); c.1649_1652delATGC, p.Asp550Valfs (NM_001408418.1, NM_001408419.1, NM_001408420.1); c.1646_1649delATGC, p.Asp549Valfs (NM_001408421.1, NM_001408422.1, NM_001408423.1 and 1 more transcripts); and 74 more; short protein forms D1645fs, D1692fs, D1713fs, D588fs.
Identifiers: ClinVar variation 55384 (VCV000055384.3), dbSNP rs397509223, ClinGen allele CA003211.